The following is an entry in ClinVar:

ClinVar aggregate classification (germline): Uncertain significance (1 of 4 stars; one submission).

Submission:

Labcorp Genetics (formerly Invitae), Labcorp
Classification: Uncertain significance. Last evaluated: 2022-12-26. Review status: criteria provided, single submitter. Criteria: Invitae Variant Classification Sherloc (09022015). Collection method: clinical testing. Allele origin: germline.
Comment: This variant, c.2913_2948dup, results in the insertion of 12 amino acid(s) of the MYO7A protein (p.Glu971_Leu982dup), but otherwise preserves the integrity of the reading frame. This variant is not present in population databases (gnomAD no frequency). This variant has not been reported in the literature in individuals affected with MYO7A-related conditions. Algorithms developed to predict the effect of sequence changes on RNA splicing suggest that this variant may disrupt the consensus splice site. In summary, the available evidence is currently insufficient to determine the role of this variant in disease. Therefore, it has been classified as a Variant of Uncertain Significance.

NC_000011.10:g.77181959_77181994dup

Gene: MYO7A (myosin VIIA; plus strand). Cytogenetic location: 11q13.5.
Variant type: Duplication.
Genome position: GRCh38: chr11:77,181,959-77,181,994. GRCh37 (hg19): chr11:76,893,005-76,893,040.
Identifiers: ClinVar variation 1956865 (VCV001956865.6), dbSNP rs2497218604, ClinGen allele CA2580084957.